The following is an entry in ClinVar:

NM_006015.6(ARID1A):c.2480G>A (p.Gly827Asp)

Gene: ARID1A (AT-rich interaction domain 1A; plus strand). Cytogenetic location: 1p36.11.
Variant type: single nucleotide variant.
Coding change: c.2480G>A on transcript NM_006015.6 (MANE Select); coding-DNA position 2480, G replaced by A.
Protein change: p.Gly827Asp; replaces glycine 827 with aspartic acid.
Molecular consequence: missense variant.
Genome position (GRCh38, 1-based): chr1:26,763,033, G>A. VCF-style: chr1-26763033-G-A. GRCh37 (hg19) VCF-style: chr1-27089524-G-A.
Other names: c.2480G>A, p.Gly827Asp (NM_139135.4); short protein forms G827D.
Identifiers: ClinVar variation 3672076 (VCV003672076.2).

ClinVar aggregate classification (germline): Uncertain significance (1 of 4 stars; one submission).

Submission:

Labcorp Genetics (formerly Invitae), Labcorp
Classification: Uncertain significance. Last evaluated: 2024-11-10. Review status: criteria provided, single submitter. Criteria: Invitae Variant Classification Sherloc (09022015). Collection method: clinical testing. Allele origin: germline.
Comment: This sequence change replaces glycine, which is neutral and non-polar, with aspartic acid, which is acidic and polar, at codon 827 of the ARID1A protein (p.Gly827Asp). This variant is not present in population databases (gnomAD no frequency). This variant has not been reported in the literature in individuals affected with ARID1A-related conditions. Invitae Evidence Modeling of protein sequence and biophysical properties (such as structural, functional, and spatial information, amino acid conservation, physicochemical variation, residue mobility, and thermodynamic stability) indicates that this missense variant is expected to disrupt ARID1A protein function with a positive predictive value of 80%. In summary, the available evidence is currently insufficient to determine the role of this variant in disease. Therefore, it has been classified as a Variant of Uncertain Significance.